The following is an entry in ClinVar:

ClinVar aggregate classification (germline): Pathogenic. Review status: criteria provided, multiple submitters, no conflicts (2 of 4 stars). 4 submissions from 4 submitters: Pathogenic (3). 1 of the submissions does not count toward it. Last evaluated 2025-07-23.

Conditions:
Familial long QT syndrome (RWS). Also called: Congenital long QT syndrome; Romano-Ward syndrome; VENTRICULAR FIBRILLATION WITH PROLONGED QT INTERVAL. Identifiers: Orphanet 768, MedGen C1141890, MONDO:0019171.
Long QT syndrome (LQTS). Identifiers: MedGen C0023976, MeSH D008133, MONDO:0002442. Disease mechanism: loss of function. Inheritance: Various modes of inheritance.
Long QT syndrome 2 (LQT2). Identifiers: Orphanet 101016, Orphanet 768, MedGen C3150943, MONDO:0013367, OMIM 613688.

Submissions (4):

Victorian Clinical Genetics Services, Murdoch Childrens Research Institute
Classification: Pathogenic for Long QT syndrome 2. Last evaluated: 2025-07-23. Review status: criteria provided, single submitter. Criteria: ACMG Guidelines, 2015. Collection method: clinical testing. Allele origin: germline. Affected: yes.
Comment: This variant is classified as Pathogenic. Evidence in support of pathogenic classification: Variant is absent from gnomAD (v2, v3 and v4); This variant has strong previous evidence of pathogenicity in unrelated individuals. This variant has been classified as pathogenic by clinical laboratories in ClinVar, and reported in the literature in individuals with long QT syndrome (PMID: 23098067, 16414944, 35700634); This variant has moderate functional evidence supporting abnormal protein function. In vitro functional studies demonstrated impaired intracellular trafficking and an absence of measurable current on patch clamp studies (PMID: 23721480, 21536673); Another missense variant comparable to the one identified in this case has limited previous evidence for pathogenicity. p.(Tyr43Asp) has been reported in the literature in a family with long QT syndrome (PMID: 18441445); Variant is located in a hotspot region or cluster of PATHOGENIC variants (DECIPHER); Missense variant predicted to be damaging by in silico tool(s) or highly conserved with a major amino acid change. Additional information: Variant is predicted to result in a missense amino acid change from Tyr to Cys; This variant is heterozygous; This gene is associated with autosomal dominant disease; Dominant negative and loss of function are known mechanisms of disease in this gene and are associated with long QT syndrome 2 (MIM#613688). Gain of function is also a known mechanism associated with short QT syndrome 1 (MIM#609620) (OMIM, PMID: 10753933; PMID: 21777565); The condition associated with this gene has incomplete penetrance (PMID: 20301308); Inheritance information for this variant is not currently available in this individual.

Labcorp Genetics (formerly Invitae), Labcorp
Classification: Pathogenic for Long QT syndrome. Last evaluated: 2022-08-15. Review status: criteria provided, single submitter. Criteria: Invitae Variant Classification Sherloc (09022015). Collection method: clinical testing. Allele origin: germline.
Comment: This variant is not present in population databases (gnomAD no frequency). This missense change has been observed in individual(s) with long QT syndrome (PMID: 16414944, 23098067; Invitae). It has also been observed to segregate with disease in related individuals. ClinVar contains an entry for this variant (Variation ID: 67182). Algorithms developed to predict the effect of missense changes on protein structure and function (SIFT, PolyPhen-2, Align-GVGD) all suggest that this variant is likely to be tolerated. Experimental studies have shown that this missense change affects KCNH2 function (PMID: 21536673, 23303164, 23721480, 25417810, 29725305). This variant disrupts the p.Tyr43 amino acid residue in KCNH2. Other variant(s) that disrupt this residue have been observed in individuals with KCNH2-related conditions (PMID: 18441445, 19419905), which suggests that this may be a clinically significant amino acid residue. For these reasons, this variant has been classified as Pathogenic. This sequence change replaces tyrosine, which is neutral and polar, with cysteine, which is neutral and slightly polar, at codon 43 of the KCNH2 protein (p.Tyr43Cys).

GeneDx
Classification: Pathogenic. Last evaluated: 2020-05-21. Review status: criteria provided, single submitter. Criteria: GeneDx Variant Classification Process June 2021. Collection method: clinical testing. Allele origin: germline. Affected: yes.
Comment: Not observed in large population cohorts (Lek et al., 2016); In silico analysis supports that this missense variant has a deleterious effect on protein structure/function; This variant is associated with the following publications: (PMID: 25820318, 25417810, 23303164, 16414944, 21536673, 29725305, 32475984)

Cardiovascular Biomedical Research Unit, Royal Brompton & Harefield NHS Foundation Trust
No classification provided. Condition: Familial long QT syndrome. Review status: no classification provided. Collection method: literature only. Allele origin: germline. Not counted in ClinVar's aggregate classification.
Comment: This variant has been reported as associated with Long QT syndrome in the following publications (PMID:16414944;PMID:21536673). This is a literature report, and does not necessarily reflect the clinical interpretation of the Imperial College / Royal Brompton Cardiovascular Genetics laboratory.

Literature cited by the submitters: PubMed 16414944 (cited by 3 submitters); PubMed 23721480 (cited by Victorian Clinical Genetics Services, Murdoch Childrens Research Institute and Labcorp Genetics (formerly Invitae), Labcorp); PubMed 21777565 (cited by Victorian Clinical Genetics Services, Murdoch Childrens Research Institute); PubMed 21536673 (cited by 3 submitters); PubMed 23098067 (cited by Victorian Clinical Genetics Services, Murdoch Childrens Research Institute and Labcorp Genetics (formerly Invitae), Labcorp); PubMed 18441445 (cited by Victorian Clinical Genetics Services, Murdoch Childrens Research Institute and Labcorp Genetics (formerly Invitae), Labcorp); PubMed 20301308 (cited by Victorian Clinical Genetics Services, Murdoch Childrens Research Institute); PubMed 10753933 (cited by Victorian Clinical Genetics Services, Murdoch Childrens Research Institute); PubMed 35700634 (cited by Victorian Clinical Genetics Services, Murdoch Childrens Research Institute); PubMed 23303164 (cited by Labcorp Genetics (formerly Invitae), Labcorp); PubMed 25417810 (cited by Labcorp Genetics (formerly Invitae), Labcorp); PubMed 29725305 (cited by Labcorp Genetics (formerly Invitae), Labcorp); PubMed 19419905 (cited by Labcorp Genetics (formerly Invitae), Labcorp); PubMed 22581653 (cited by Cardiovascular Biomedical Research Unit, Royal Brompton & Harefield NHS Foundation Trust).

NM_000238.4(KCNH2):c.128A>G (p.Tyr43Cys)

Gene: KCNH2 (potassium voltage-gated channel subfamily H member 2; minus strand). Cytogenetic location: 7q36.1.
Variant type: single nucleotide variant.
Coding change: c.128A>G on transcript NM_000238.4 (MANE Select); coding-DNA position 128, A replaced by G.
Protein change: p.Tyr43Cys; replaces tyrosine 43 with cysteine.
Molecular consequence: missense variant.
Genome position (GRCh38, 1-based): chr7:150,974,890, T>C on the plus strand (A>G on the coding strand, the complement: KCNH2 is on the minus strand). VCF-style: chr7-150974890-T-C. GRCh37 (hg19) VCF-style: chr7-150671978-T-C.
Other names: p.Y43C:TAC>TGC; c.128A>G (LRG_288t1); c.-50A>G (NM_001406755.1); c.128A>G, p.Tyr43Cys (NM_172056.3); short protein forms Y43C.
Identifiers: ClinVar variation 67182 (VCV000067182.14), dbSNP rs199472836, ClinGen allele CA004427.
Genomic context (GRCh38, chr7:150,974,890, plus strand): 5'-GGTCGCTGCATCACCTCGGCCCGCGAGTAGCCGCACAGCTCGCAGAAGCCGTCGTTGCAG[T>C]AGATGACGGCGCAGTTCTCCACCCGAGCGTTGGCGATGATGAACTTACGGCCTAGGGGGG-3'
Protein context (NP_000229.1, residues 33-53): NARVENCAVI[Tyr43Cys]CNDGFCELCG